The following is an entry in ClinVar:

ClinVar aggregate classification (germline): Uncertain significance (1 of 4 stars; one submission).

Conditions:
Hereditary diffuse gastric adenocarcinoma (HDGC). Also called: DIFFUSE GASTRIC AND LOBULAR BREAST CANCER SYNDROME. Identifiers: Orphanet 26106, MedGen C1708349, MONDO:0007648, OMIM 137215.

Submission:

Labcorp Genetics (formerly Invitae), Labcorp
Classification: Uncertain significance for Hereditary diffuse gastric adenocarcinoma. Last evaluated: 2025-07-28. Review status: criteria provided, single submitter. Criteria: Invitae Variant Classification Sherloc (09022015). Collection method: clinical testing. Allele origin: germline.
Comment: This sequence change replaces threonine, which is neutral and polar, with isoleucine, which is neutral and non-polar, at codon 438 of the CDH1 protein (p.Thr438Ile). This variant is not present in population databases (gnomAD no frequency). This variant has not been reported in the literature in individuals affected with CDH1-related conditions. ClinVar contains an entry for this variant (Variation ID: 659889). An algorithm developed to predict the effect of missense changes on protein structure and function (PolyPhen-2) suggests that this variant is likely to be disruptive. In summary, the available evidence is currently insufficient to determine the role of this variant in disease. Therefore, it has been classified as a Variant of Uncertain Significance.

NM_004360.5(CDH1):c.1313C>T (p.Thr438Ile)

Gene: CDH1 (cadherin 1; plus strand). Cytogenetic location: 16q22.1.
Variant type: single nucleotide variant.
Coding change: c.1313C>T on transcript NM_004360.5 (MANE Select); coding-DNA position 1313, C replaced by T.
Protein change: p.Thr438Ile; replaces threonine 438 with isoleucine.
Molecular consequence: missense variant. On other transcripts: 5 prime UTR variant (2), intron variant (1).
Genome position (GRCh38, 1-based): chr16:68,813,488, C>T. VCF-style: chr16-68813488-C-T. GRCh37 (hg19) VCF-style: chr16-68847391-C-T.
Other names: c.1313C>T (LRG_301t1); c.-303C>T (NM_001317185.2); c.-507C>T (NM_001317186.2); c.1137+1225C>T (NM_001317184.2); short protein forms T438I.
Identifiers: ClinVar variation 659889 (VCV000659889.9), dbSNP rs876658218, ClinGen allele CA396461922.